The following is an entry in ClinVar:

NM_005243.4(EWSR1):c.12G>A (p.Thr4=)

Gene: EWSR1 (EWS RNA binding protein 1; plus strand). Cytogenetic location: 22q12.2.
Variant type: single nucleotide variant.
Coding change: c.12G>A on transcript NM_005243.4 (MANE Select); coding-DNA position 12, G replaced by A.
Protein change: p.Thr4=; no amino-acid change (threonine 4 retained).
Molecular consequence: synonymous variant.
Genome position (GRCh38, 1-based): chr22:29,268,348, G>A. VCF-style: chr22-29268348-G-A. GRCh37 (hg19) VCF-style: chr22-29664337-G-A.
Other names: c.12G>A, p.Thr4= (NM_001163285.2, NM_001163286.2, NM_001163287.2 and 1 more transcripts).
Identifiers: ClinVar variation 3040215 (VCV003040215.2), dbSNP rs147203739, ClinGen allele CA10171221.

ClinVar aggregate classification (germline): Likely benign (0 of 4 stars; one submission).

Conditions:
EWSR1-related disorder. Also called: EWSR1-related condition.

Allele frequency attached by ClinVar (database versions not stated): gnomAD 0.00009; ESP Exome Variant Server 0.00031.
gnomAD v4.1: 228 of 1,614,010 alleles (0.014%); highest among the groups gnomAD compares: Non-Finnish European, 0.018%; no homozygotes.

Submission:

PreventionGenetics, part of Exact Sciences
Classification: Likely benign for EWSR1-related condition. Last evaluated: 2019-09-09. Review status: no assertion criteria provided. Collection method: clinical testing. Allele origin: germline.
Comment: This variant is classified as likely benign based on ACMG/AMP sequence variant interpretation guidelines (Richards et al. 2015 PMID: 25741868, with internal and published modifications).